The following is an entry in ClinVar:

NM_000475.5(NR0B1):c.564_567dup (p.Gly190fs)

Gene: NR0B1 (nuclear receptor subfamily 0 group B member 1; minus strand). Cytogenetic location: Xp21.2.
Variant type: Duplication.
Coding change: c.564_567dup on transcript NM_000475.5 (MANE Select); coding-DNA positions 564 to 567, 4 bases duplicated (AGGC; older notation c.564_567dupAGGC).
Protein change: p.Gly190fs; shifts the reading frame from glycine 190.
Molecular consequence: frameshift variant.
Genome position (GRCh38, 1-based): chrX:30,308,797-30,308,800, GCCT duplicated on the plus strand (AGGC on the coding strand, the reverse complement: NR0B1 is on the minus strand); duplicating any 4 consecutive bases within chrX:30,308,797-30,308,801 gives the same sequence; the c. name uses the placement nearest the transcript's 3' end. VCF-style (leftmost placement, unchanged base first): chrX-30308796-C-CGCCT. GRCh37 (hg19) VCF-style: chrX-30326913-C-CGCCT.
Other names: short protein forms G190fs.
Identifiers: ClinVar variation 3383055 (VCV003383055.2).
Genomic context (GRCh38, chrX:30,308,796, plus strand): 5'-CCTGCTGCGGGTGGTCTTCACCGCAAAAGCAGCAGCGGTACAGAAGCGCCGTGGCCCGCC[C>CGCCT]GCCTGGTAGCGCCTCTTTACCCCCTGGCCTCTGCGCGAAGTAGGAGCGGTCCCACCACGC-3'

ClinVar aggregate classification (germline): Pathogenic (1 of 4 stars; one submission).

Conditions:
46,XY sex reversal 2. Also called: 46XY sex reversal 2, dosage-sensitive; NR0B1-Related 46,XY CGD; NR0B1-related 46,XY complete gonadal dysgenesis; Dosage-sensitive sex reversal; 46,XY SEX REVERSAL, DAX1-RELATED. Identifiers: MedGen C1848296, MONDO:0010226, OMIM 300018.
Congenital adrenal hypoplasia, X-linked (AHC). Also called: X-linked AHC; X-Linked Adrenal Hypoplasia Congenita; Isolated X-Linked Adrenal Hypoplasia Congenita; ADRENAL HYPOPLASIA, CONGENITAL, WITH HYPOGONADOTROPIC HYPOGONADISM. Identifiers: Orphanet 95702, MedGen C0342482, MONDO:0010264, OMIM 300200. Disease mechanism: loss of function.

Submission:

Juno Genomics, Hangzhou Juno Genomics, Inc
Classification: Pathogenic for 46,XY sex reversal 2; Congenital adrenal hypoplasia, X-linked. Review status: criteria provided, single submitter. Criteria: ACMG Guidelines, 2015. Collection method: clinical testing. Allele origin: germline. Affected: yes.
Comment: Null variant in a gene where loss of function (LOF) is a known mechanism of disease.;Absent from controls (or at extremely low frequency if recessive) in Genome Aggregation Database, Exome Sequencing Project, 1000 Genomes Project, or Exome Aggregation Consortium.;The prevalence of the variant in affected individuals is significantly increased compared to the prevalence in controls.